The following is an entry in ClinVar:

NM_000535.7(PMS2):c.1936A>C (p.Arg646=)

Gene: PMS2 (PMS1 homolog 2, mismatch repair system component; minus strand). Cytogenetic location: 7p22.1.
Variant type: single nucleotide variant.
Coding change: c.1936A>C on transcript NM_000535.7 (MANE Select); coding-DNA position 1936, A replaced by C.
Protein change: p.Arg646=; no amino-acid change (arginine 646 retained).
Molecular consequence: synonymous variant. On other transcripts: non-coding transcript variant (1).
Genome position (GRCh38, 1-based): chr7:5,986,829, T>G on the plus strand (A>C on the coding strand, the complement: PMS2 is on the minus strand). VCF-style: chr7-5986829-T-G. GRCh37 (hg19) VCF-style: chr7-6026460-T-G.
Other names: c.1531A>C, p.Arg511= (NM_001322003.2, NM_001322004.2, NM_001322005.2 and 1 more transcripts); c.1780A>C, p.Arg594= (NM_001322006.2); c.1618A>C, p.Arg540= (NM_001322007.2, NM_001322008.2); c.1375A>C, p.Arg459= (NM_001322010.2); c.1003A>C, p.Arg335= (NM_001322011.2, NM_001322012.2); c.1363A>C, p.Arg455= (NM_001322013.2); c.1936A>C, p.Arg646= (NM_001322014.2); c.1627A>C, p.Arg543= (NM_001322015.2).
Identifiers: ClinVar variation 135941 (VCV000135941.30), dbSNP rs369582237, ClinGen allele CA010496.
Genomic context (GRCh38, chr7:5,986,829, plus strand): 5'-TTCTTAGTTCATCTTCGGCTGCTTGATTTTCTCCAGGACAAATCTTTGCCCTAAACTTCC[T>G]GTAATTCTGTTCCCCTTCACTTTGCTGTGCTTCATGATGTAACTGCTTTATTCGTTTAGC-3'
Protein context (NP_000526.2, residues 636-656): AQQSEGEQNY[Arg646=]KFRAKICPGE

ClinVar aggregate classification (germline): Conflicting classifications of pathogenicity. Review status: criteria provided, conflicting classifications (1 of 4 stars). 11 submissions from 11 submitters: Uncertain significance (1); Benign (1); Likely benign (9). Last evaluated 2026-01-13.

Conditions:
Hereditary nonpolyposis colorectal neoplasms. Identifiers: MedGen C0009405, MeSH D003123.
Hereditary cancer-predisposing syndrome. Also called: Tumor predisposition; Hereditary neoplastic syndrome; Neoplastic Syndromes, Hereditary; Hereditary Cancer Syndrome. Identifiers: Orphanet 140162, MedGen C0027672, MeSH D009386, MONDO:0015356.
Lynch syndrome. Identifiers: Orphanet 144, MedGen C4552100, MONDO:0005835. Disease mechanism: loss of function.
Lynch syndrome 4 (LYNCH4). Also called: Colorectal cancer, hereditary nonpolyposis, type 4; Hereditary non-polyposis colorectal cancer, type 4. Identifiers: Orphanet 144, MedGen C1838333, MONDO:0013699, OMIM 614337. Disease mechanism: loss of function.

Allele frequency attached by ClinVar (database versions not stated): TOPMed 0.00002; gnomAD 0.00003 and 0.00004; gnomAD exomes 0.00004; ExAC 0.00006; ESP Exome Variant Server 0.00008.
gnomAD v4.1: 67 of 1,613,570 alleles (0.0042%); highest among the groups gnomAD compares: Non-Finnish European, 0.0055%; no homozygotes.

Submissions (11):

Labcorp Genetics (formerly Invitae), Labcorp
Classification: Likely benign for Hereditary nonpolyposis colorectal neoplasms. Last evaluated: 2026-01-13. Review status: criteria provided, single submitter. Criteria: Invitae Variant Classification Sherloc (09022015). Collection method: clinical testing. Allele origin: germline.

Center for Genomic Medicine, Rigshospitalet, Copenhagen University Hospital
Classification: Likely benign. Last evaluated: 2025-03-04. Review status: criteria provided, single submitter. Criteria: ACMG Guidelines, 2015. Collection method: clinical testing. Allele origin: germline.

Myriad Genetics, Inc.
Classification: Benign for Lynch syndrome 4. Last evaluated: 2025-01-31. Review status: criteria provided, single submitter. Criteria: Myriad Autosomal Dominant, Autosomal Recessive and X-Linked Classification Criteria (2023). Collection method: clinical testing. Allele origin: unknown.
Comment: This variant is considered benign. This variant is a silent/synonymous amino acid change and it is not expected to impact splicing.

All of Us Research Program, National Institutes of Health
Classification: Likely benign for Lynch syndrome. Last evaluated: 2024-02-05. Review status: criteria provided, single submitter. Criteria: ACMG Guidelines, 2015. Collection method: clinical testing. Allele origin: germline. Inheritance: Autosomal dominant inheritance. Observed: 8 variant alleles, 8 heterozygotes.
Comment: This study involves interpretation of variants in research participants for the purpose of population health screening. Participant phenotype was not available at the time of variant classification. Additional details can be found in publication PMID: 35346344, PMCID: PMC8962531

Quest Diagnostics Nichols Institute San Juan Capistrano
Classification: Likely benign. Last evaluated: 2023-03-10. Review status: criteria provided, single submitter. Criteria: Quest Diagnostics criteria. Collection method: clinical testing. Allele origin: unknown.

GeneDx
Classification: Likely benign. Last evaluated: 2020-04-20. Review status: criteria provided, single submitter. Criteria: GeneDx Variant Classification Process June 2021. Collection method: clinical testing. Allele origin: germline. Affected: yes.

Women's Health and Genetics/Laboratory Corporation of America, LabCorp
Classification: Likely benign. Last evaluated: 2019-08-29. Review status: criteria provided, single submitter. Criteria: LabCorp Variant Classification Summary - May 2015. Collection method: clinical testing. Allele origin: germline.

Illumina Laboratory Services, Illumina
Classification: Uncertain significance for Lynch syndrome 4. Last evaluated: 2018-01-12. Review status: criteria provided, single submitter. Criteria: ICSL Variant Classification Criteria 13 December 2019. Collection method: clinical testing. Allele origin: germline.

PreventionGenetics, part of Exact Sciences
Classification: Likely benign. Last evaluated: 2017-10-12. Review status: criteria provided, single submitter. Criteria: ACMG Guidelines, 2015. Collection method: clinical testing. Allele origin: germline.

Color Diagnostics, LLC DBA Color Health
Classification: Likely benign for Hereditary cancer-predisposing syndrome. Last evaluated: 2017-03-08. Review status: criteria provided, single submitter. Criteria: ACMG Guidelines, 2015. Collection method: clinical testing. Allele origin: germline.

Ambry Genetics
Classification: Likely benign for Hereditary cancer-predisposing syndrome. Last evaluated: 2014-07-07. Review status: criteria provided, single submitter. Criteria: Ambry Variant Classification Scheme 2023. Collection method: clinical testing. Allele origin: germline.

Literature cited by the submitters: PubMed 31882575 (cited by Quest Diagnostics Nichols Institute San Juan Capistrano).